The following is an entry in ClinVar:

ClinVar aggregate classification (germline): Conflicting classifications of pathogenicity. Review status: criteria provided, conflicting classifications (1 of 4 stars). 5 submissions from 5 submitters: Uncertain significance (4); Likely benign (1). Last evaluated 2026-09-14.

Conditions:
Biotin-responsive basal ganglia disease (BTBGD). Also called: Thiamine metabolism dysfunction syndrome 2 (biotin- or thiamine-responsive encephalopathy type 2); thiamine-responsive encephalopathy; Thiamine metabolism dysfunction syndrome type 2; Thiamine Transporter-2 Deficiency; THIAMINE METABOLISM DYSFUNCTION SYNDROME 2 (BIOTIN- AND THIAMINE-RESPONSIVE TYPE). Identifiers: Orphanet 199348, Orphanet 65284, MedGen C1843807, MONDO:0011841, OMIM 607483.

Allele frequency attached by ClinVar (database versions not stated): gnomAD 0.00073 and 0.00069; TOPMed 0.00089; 1000 Genomes Project 0.00100; 1000 Genomes Project 30x 0.00109; gnomAD exomes 0.00010 and 0.00025; ExAC 0.00035; ESP Exome Variant Server 0.00062.

Submissions (5):

GeneDx
Classification: Uncertain significance. Last evaluated: 2026-09-14. Review status: criteria provided, single submitter. Criteria: GeneDx Variant Classification Process June 2021. Collection method: clinical testing. Allele origin: germline.
Comment: Observed with another variant in the opposite allele (in trans) in patient with congenital diaphragmatic hernia, seizures, and dysmorphic features in published literature; however, a pathogenic variant in another gene was also identified (PMID: 37589195); In silico analysis suggests that this missense variant does not alter protein structure/function; This variant is associated with the following publications: (PMID: 37589195)

Labcorp Genetics (formerly Invitae), Labcorp
Classification: Likely benign for Biotin-responsive basal ganglia disease. Last evaluated: 2026-02-03. Review status: criteria provided, single submitter. Criteria: Invitae Variant Classification Sherloc (09022015). Collection method: clinical testing. Allele origin: germline.

Athena Diagnostics
Classification: Uncertain significance. Last evaluated: 2020-06-16. Review status: criteria provided, single submitter. Criteria: Athena Diagnostics Criteria. Collection method: clinical testing. Allele origin: unknown.

Illumina Laboratory Services, Illumina
Classification: Uncertain significance for Biotin-responsive basal ganglia disease. Last evaluated: 2018-01-12. Review status: criteria provided, single submitter. Criteria: ICSL Variant Classification Criteria 13 December 2019. Collection method: clinical testing. Allele origin: germline.

Eurofins Ntd Llc (ga)
Classification: Uncertain significance. Last evaluated: 2016-07-19. Review status: criteria provided, single submitter. Criteria: EGL Classification Definitions 2015. Collection method: clinical testing. Allele origin: germline. Observed: 1 variant allele, 1 heterozygote.

NM_025243.4(SLC19A3):c.1145G>A (p.Ser382Asn)

Gene: SLC19A3 (solute carrier family 19 member 3; minus strand). Cytogenetic location: 2q36.3.
Variant type: single nucleotide variant.
Coding change: c.1145G>A on transcript NM_025243.4 (MANE Select); coding-DNA position 1145, G replaced by A.
Protein change: p.Ser382Asn; replaces serine 382 with asparagine.
Molecular consequence: missense variant.
Genome position (GRCh38, 1-based): chr2:227,695,916, C>T on the plus strand (G>A on the coding strand, the complement: SLC19A3 is on the minus strand). VCF-style: chr2-227695916-C-T. GRCh37 (hg19) VCF-style: chr2-228560632-C-T.
Other names: short protein forms S382N.
Identifiers: ClinVar variation 288883 (VCV000288883.26), dbSNP rs145288025, ClinGen allele CA2149149.